The following is an entry in ClinVar:

ClinVar aggregate classification (germline): Uncertain significance. Review status: criteria provided, multiple submitters, no conflicts (2 of 4 stars). 2 submissions from 2 submitters: Uncertain significance (2). Last evaluated 2025-08-01.

Conditions:
Inborn genetic diseases. Identifiers: MedGen C0950123, MeSH D030342.
Developmental and epileptic encephalopathy, 9 (DEE9). Also called: EPILEPSY, FEMALE-RESTRICTED, WITH MENTAL RETARDATION; Early infantile epileptic encephalopathy 9; PCDH19-Related X-Linked Female-Limited Epilepsy with Mental Retardation; JUBERG-HELLMAN SYNDROME. Identifiers: Orphanet 101039, Orphanet 2076, MedGen C1848137, MONDO:0010246, OMIM 300088. Disease mechanism: loss of function.

Allele frequency attached by ClinVar (database versions not stated): gnomAD exomes below 0.00001.
gnomAD v4.1: 5 of 1,211,938 alleles (0.00041%); highest among the groups gnomAD compares: Non-Finnish European, 0.00045%; no homozygotes.

Submissions (2):

Ambry Genetics
Classification: Uncertain significance for Inborn genetic diseases. Last evaluated: 2025-08-01. Review status: criteria provided, single submitter. Criteria: Ambry Variant Classification Scheme 2023. Collection method: clinical testing. Allele origin: germline.

Labcorp Genetics (formerly Invitae), Labcorp
Classification: Uncertain significance for Developmental and epileptic encephalopathy, 9. Last evaluated: 2024-11-24. Review status: criteria provided, single submitter. Criteria: Invitae Variant Classification Sherloc (09022015). Collection method: clinical testing. Allele origin: germline.
Comment: This sequence change replaces proline, which is neutral and non-polar, with arginine, which is basic and polar, at codon 494 of the PCDH19 protein (p.Pro494Arg). This variant is present in population databases (no rsID available, gnomAD no frequency). This variant has not been reported in the literature in individuals affected with PCDH19-related conditions. ClinVar contains an entry for this variant (Variation ID: 2158908). Invitae Evidence Modeling of protein sequence and biophysical properties (such as structural, functional, and spatial information, amino acid conservation, physicochemical variation, residue mobility, and thermodynamic stability) has been performed for this missense variant. However, the output from this modeling did not meet the statistical confidence thresholds required to predict the impact of this variant on PCDH19 protein function. In summary, the available evidence is currently insufficient to determine the role of this variant in disease. Therefore, it has been classified as a Variant of Uncertain Significance.

NM_001184880.2(PCDH19):c.1481C>G (p.Pro494Arg)

Gene: PCDH19 (protocadherin 19; minus strand). Cytogenetic location: Xq22.1.
Variant type: single nucleotide variant.
Coding change: c.1481C>G on transcript NM_001184880.2 (MANE Select); coding-DNA position 1481, C replaced by G.
Protein change: p.Pro494Arg; replaces proline 494 with arginine.
Molecular consequence: missense variant.
Genome position (GRCh38, 1-based): chrX:100,407,117, G>C on the plus strand (C>G on the coding strand, the complement: PCDH19 is on the minus strand). VCF-style: chrX-100407117-G-C. GRCh37 (hg19) VCF-style: chrX-99662115-G-C.
Other names: c.1481C>G, p.Pro494Arg (NM_001105243.2, NM_020766.3); c.1481C>G (NM_001184880.1); short protein forms P494R.
Identifiers: ClinVar variation 2158908 (VCV002158908.5), dbSNP rs1344305851, ClinGen allele CA414002636.